The following is an entry in ClinVar:

NM_016169.4(SUFU):c.847dup (p.Glu283fs)

Gene: SUFU (SUFU negative regulator of hedgehog signaling; plus strand). Cytogenetic location: 10q24.32.
Variant type: Duplication.
Coding change: c.847dup on transcript NM_016169.4 (MANE Select); coding-DNA position 847, one base duplicated (G; older notation c.847dupG).
Protein change: p.Glu283fs; shifts the reading frame from glutamic acid 283.
Molecular consequence: frameshift variant.
Genome position (GRCh38, 1-based): chr10:102,597,230, G duplicated. VCF-style (leftmost placement, unchanged base first): chr10-102597229-C-CG. GRCh37 (hg19) VCF-style: chr10-104356986-C-CG.
Other names: c.847dup, p.Glu283fs (NM_001178133.2); short protein forms E283fs.
Identifiers: ClinVar variation 863146 (VCV000863146.8), dbSNP rs2063472158, ClinGen allele CA916081617.

ClinVar aggregate classification (germline): Pathogenic (1 of 4 stars; one submission).

Conditions:
Gorlin syndrome. Also called: Nevoid Basal Cell Carcinoma Syndrome; Basal cell nevus syndrome. Identifiers: Orphanet 377, MedGen C0004779, MONDO:0007187.
Medulloblastoma (MDB). Also called: Medulloblastoma, somatic; MEDULLOBLASTOMA PREDISPOSITION SYNDROME. Identifiers: Orphanet 616, MedGen C0025149, MeSH D008527, MONDO:0007959, OMIM 155255, HP:0002885.

Submission:

Labcorp Genetics (formerly Invitae), Labcorp
Classification: Pathogenic for Gorlin syndrome; Medulloblastoma. Last evaluated: 2023-08-10. Review status: criteria provided, single submitter. Criteria: Invitae Variant Classification Sherloc (09022015). Collection method: clinical testing. Allele origin: germline.
Comment: This variant has not been reported in the literature in individuals affected with SUFU-related conditions. This variant is not present in population databases (gnomAD no frequency). This sequence change creates a premature translational stop signal (p.Glu283Glyfs*3) in the SUFU gene. It is expected to result in an absent or disrupted protein product. Loss-of-function variants in SUFU are known to be pathogenic (PMID: 22508808, 25403219, 33024317). ClinVar contains an entry for this variant (Variation ID: 863146). For these reasons, this variant has been classified as Pathogenic.

Literature cited by the submitters: PubMed 22508808; PubMed 25403219; PubMed 33024317.